The following is an entry in ClinVar:

NM_000090.4(COL3A1):c.3885T>G (p.Asn1295Lys)

Gene: COL3A1 (collagen type III alpha 1 chain; plus strand). Cytogenetic location: 2q32.2.
Variant type: single nucleotide variant.
Coding change: c.3885T>G on transcript NM_000090.4 (MANE Select); coding-DNA position 3885, T replaced by G.
Protein change: p.Asn1295Lys; replaces asparagine 1295 with lysine.
Molecular consequence: missense variant.
Genome position (GRCh38, 1-based): chr2:189,010,239, T>G. VCF-style: chr2-189010239-T-G. GRCh37 (hg19) VCF-style: chr2-189874965-T-G.
Other names: short protein forms N1295K.
Identifiers: ClinVar variation 2012092 (VCV002012092.4), dbSNP rs750772297, ClinGen allele CA076341.

ClinVar aggregate classification (germline): Uncertain significance (1 of 4 stars; one submission).

Conditions:
Ehlers-Danlos syndrome, type 4 (EDSVASC). Also called: Ehlers-Danlos syndrome vascular type; Ehlers Danlos syndrome, ecchymotic type; Ehlers Danlos syndrome, arterial type; Ehlers Danlos syndrome, Sack-Barabas type; Ehlers-Danlos Syndrome Type IV. Identifiers: Orphanet 286, MedGen C0268338, MONDO:0017314, OMIM 130050.

Allele frequency attached by ClinVar (database versions not stated): TOPMed below 0.00001.
gnomAD v4.1: 1 of 1,614,176 alleles (0.000062%); highest among the groups gnomAD compares: Admixed American, 0.0017%; no homozygotes.

Submission:

Labcorp Genetics (formerly Invitae), Labcorp
Classification: Uncertain significance for Ehlers-Danlos syndrome, type 4. Last evaluated: 2023-06-29. Review status: criteria provided, single submitter. Criteria: Invitae Variant Classification Sherloc (09022015). Collection method: clinical testing. Allele origin: germline.
Comment: This variant has not been reported in the literature in individuals affected with COL3A1-related conditions. In summary, the available evidence is currently insufficient to determine the role of this variant in disease. Therefore, it has been classified as a Variant of Uncertain Significance. Advanced modeling of protein sequence and biophysical properties (such as structural, functional, and spatial information, amino acid conservation, physicochemical variation, residue mobility, and thermodynamic stability) performed at Invitae indicates that this missense variant is not expected to disrupt COL3A1 protein function. ClinVar contains an entry for this variant (Variation ID: 2012092). This variant is present in population databases (rs750772297, gnomAD 0.003%). This sequence change replaces asparagine, which is neutral and polar, with lysine, which is basic and polar, at codon 1295 of the COL3A1 protein (p.Asn1295Lys).